The following is an entry in ClinVar:

NM_005751.5(AKAP9):c.4959G>T (p.Glu1653Asp)

Genes: AKAP9 (A-kinase anchoring protein 9; plus strand), LOC121175350 (Sharpr-MPRA regulatory region 2641; plus strand). Cytogenetic location: 7q21.2.
Variant type: single nucleotide variant.
Coding change: c.4959G>T on transcript NM_005751.5 (MANE Select); coding-DNA position 4959, G replaced by T.
Protein change: p.Glu1653Asp; replaces glutamic acid 1653 with aspartic acid.
Molecular consequence: missense variant.
Genome position (GRCh38, 1-based): chr7:92,042,087, G>T. VCF-style: chr7-92042087-G-T. GRCh37 (hg19) VCF-style: chr7-91671401-G-T.
Other names: c.4959G>T, p.Glu1653Asp (NM_147185.3); short protein forms E1653D.
Identifiers: ClinVar variation 1744369 (VCV001744369.5), dbSNP rs745498011, ClinGen allele CA161897685.

ClinVar aggregate classification (germline): Conflicting classifications of pathogenicity. Review status: criteria provided, conflicting classifications (1 of 4 stars). 2 submissions from 2 submitters: Uncertain significance (1); Likely benign (1). Last evaluated 2025-03-21.

Conditions:
Long QT syndrome (LQTS). Identifiers: MedGen C0023976, MeSH D008133, MONDO:0002442. Disease mechanism: loss of function. Inheritance: Various modes of inheritance.
Cardiovascular phenotype. Identifiers: MedGen CN230736.

Allele frequency attached by ClinVar (database versions not stated): TOPMed below 0.00001.
gnomAD v4.1: 19 of 1,613,964 alleles (0.0012%); highest among the groups gnomAD compares: Non-Finnish European, 0.0016%; no homozygotes.

Submissions (2):

Ambry Genetics
Classification: Likely benign for Cardiovascular phenotype. Last evaluated: 2025-03-21. Review status: criteria provided, single submitter. Criteria: Ambry Variant Classification Scheme 2023. Collection method: clinical testing. Allele origin: germline.

Labcorp Genetics (formerly Invitae), Labcorp
Classification: Uncertain significance for Long QT syndrome. Last evaluated: 2025-01-28. Review status: criteria provided, single submitter. Criteria: Invitae Variant Classification Sherloc (09022015). Collection method: clinical testing. Allele origin: germline.
Comment: This sequence change replaces glutamic acid, which is acidic and polar, with aspartic acid, which is acidic and polar, at codon 1653 of the AKAP9 protein (p.Glu1653Asp). This variant is present in population databases (no rsID available, gnomAD 0.0009%). This variant has not been reported in the literature in individuals affected with AKAP9-related conditions. ClinVar contains an entry for this variant (Variation ID: 1744369). An algorithm developed to predict the effect of missense changes on protein structure and function (PolyPhen-2) suggests that this variant is likely to be disruptive. In summary, the available evidence is currently insufficient to determine the role of this variant in disease. Therefore, it has been classified as a Variant of Uncertain Significance.

Literature cited by the submitters: PubMed 21885989 (cited by Ambry Genetics).